The following is an entry in ClinVar:

NM_053025.4(MYLK):c.3020C>T (p.Ala1007Val)

Gene: MYLK (myosin light chain kinase; minus strand). Cytogenetic location: 3q21.1.
Variant type: single nucleotide variant.
Coding change: c.3020C>T on transcript NM_053025.4 (MANE Select); coding-DNA position 3020, C replaced by T.
Protein change: p.Ala1007Val; replaces alanine 1007 with valine.
Molecular consequence: missense variant.
Genome position (GRCh38, 1-based): chr3:123,700,448, G>A on the plus strand (C>T on the coding strand, the complement: MYLK is on the minus strand). VCF-style: chr3-123700448-G-A. GRCh37 (hg19) VCF-style: chr3-123419295-G-A.
Other names: c.2492C>T, p.Ala831Val (NM_001321309.2); c.2813C>T, p.Ala938Val (NM_053026.4, NM_053028.4); c.3020C>T, p.Ala1007Val (NM_053027.4); short protein forms A1007V, A831V, A938V.
Identifiers: ClinVar variation 519972 (VCV000519972.11), dbSNP rs1382043515, ClinGen allele CA354230267.

ClinVar aggregate classification (germline): Uncertain significance. Review status: criteria provided, multiple submitters, no conflicts (2 of 4 stars). 2 submissions from 2 submitters: Uncertain significance (2). Last evaluated 2021-09-01.

Conditions:
Familial thoracic aortic aneurysm and aortic dissection (TAAD). Also called: Thoracic aortic aneurysms and dissections. Identifiers: Orphanet 91387, MedGen C4707243, MONDO:0019625.
Aortic aneurysm, familial thoracic 7 (AAT7). Also called: AORTIC DISSECTION, FAMILIAL, WITH OR WITHOUT AORTIC ANEURYSM. Identifiers: MedGen C3151077, MONDO:0013418, OMIM 613780.

Allele frequency attached by ClinVar (database versions not stated): gnomAD exomes below 0.00001 and 0.00001; TOPMed 0.00001.
gnomAD v4.1: 4 of 1,609,214 alleles (0.00025%); highest among the groups gnomAD compares: African/African-American, 0.0054%; no homozygotes.

Submissions (2):

Labcorp Genetics (formerly Invitae), Labcorp
Classification: Uncertain significance for Aortic aneurysm, familial thoracic 7. Last evaluated: 2021-09-01. Review status: criteria provided, single submitter. Criteria: Invitae Variant Classification Sherloc (09022015). Collection method: clinical testing. Allele origin: germline.
Comment: This sequence change replaces alanine with valine at codon 1007 of the MYLK protein (p.Ala1007Val). The alanine residue is highly conserved and there is a small physicochemical difference between alanine and valine. This variant is not present in population databases (ExAC no frequency). This variant has not been reported in the literature in individuals affected with MYLK-related conditions. ClinVar contains an entry for this variant (Variation ID: 519972). Advanced modeling of protein sequence and biophysical properties (such as structural, functional, and spatial information, amino acid conservation, physicochemical variation, residue mobility, and thermodynamic stability) performed at Invitae indicates that this missense variant is not expected to disrupt MYLK protein function. Algorithms developed to predict the effect of sequence changes on RNA splicing suggest that this variant may create or strengthen a splice site. In summary, the available evidence is currently insufficient to determine the role of this variant in disease. Therefore, it has been classified as a Variant of Uncertain Significance.

Ambry Genetics
Classification: Uncertain significance for Familial thoracic aortic aneurysm and aortic dissection. Last evaluated: 2016-02-29. Review status: criteria provided, single submitter. Criteria: Ambry Variant Classification Scheme 2023. Collection method: clinical testing. Allele origin: germline.
Comment: The p.A1007V variant (also known as c.3020C>T), located in coding exon 15 of the MYLK gene, results from a C to T substitution at nucleotide position 3020. The alanine at codon 1007 is replaced by valine, an amino acid with similar properties. This variant was not reported in population based cohorts in the following databases: Database of Single Nucleotide Polymorphisms (dbSNP), NHLBI Exome Sequencing Project (ESP), and 1000 Genomes Project. In the ESP, this variant was not observed in 6503 samples (13006 alleles) with coverage at this position. This amino acid position is poorly conserved in available vertebrate species, and valine is the reference amino acid in other vertebrate species. In addition, this alteration is predicted to be tolerated by in silico analysis. Since supporting evidence is limited at this time, the clinical significance of this variant remains unclear.